The following is an entry in ClinVar:

ClinVar aggregate classification (germline): Uncertain significance (1 of 4 stars; one submission).

Allele frequency attached by ClinVar (database versions not stated): gnomAD exomes below 0.00001; gnomAD 0.00001.
gnomAD v4.1: 8 of 1,613,692 alleles (0.0005%); highest among the groups gnomAD compares: African/African-American, 0.0013%; no homozygotes.

Submission:

Labcorp Genetics (formerly Invitae), Labcorp
Classification: Uncertain significance. Last evaluated: 2025-04-22. Review status: criteria provided, single submitter. Criteria: Invitae Variant Classification Sherloc (09022015). Collection method: clinical testing. Allele origin: germline.
Comment: This sequence change replaces glutamic acid, which is acidic and polar, with lysine, which is basic and polar, at codon 975 of the NLRP1 protein (p.Glu975Lys). This variant is not present in population databases (gnomAD no frequency). This variant has not been reported in the literature in individuals affected with NLRP1-related conditions. ClinVar contains an entry for this variant (Variation ID: 1509505). An algorithm developed to predict the effect of missense changes on protein structure and function outputs the following: PolyPhen-2: "Benign". The lysine amino acid residue is found in multiple mammalian species, which suggests that this missense change does not adversely affect protein function. In summary, the available evidence is currently insufficient to determine the role of this variant in disease. Therefore, it has been classified as a Variant of Uncertain Significance.

NM_033004.4(NLRP1):c.2923G>A (p.Glu975Lys)

Gene: NLRP1 (NLR family pyrin domain containing 1; minus strand). Cytogenetic location: 17p13.2.
Variant type: single nucleotide variant.
Coding change: c.2923G>A on transcript NM_033004.4 (MANE Select); coding-DNA position 2923, G replaced by A.
Protein change: p.Glu975Lys; replaces glutamic acid 975 with lysine.
Molecular consequence: missense variant. On other transcripts: intron variant (2).
Genome position (GRCh38, 1-based): chr17:5,536,888, C>T on the plus strand (G>A on the coding strand, the complement: NLRP1 is on the minus strand). VCF-style: chr17-5536888-C-T. GRCh37 (hg19) VCF-style: chr17-5440208-C-T.
Other names: c.2923G>A, p.Glu975Lys (NM_001033053.3, NM_014922.5); c.2870+2527G>A (NM_033007.4, NM_033006.4); short protein forms E975K.
Identifiers: ClinVar variation 1509505 (VCV001509505.6), dbSNP rs201808181, ClinGen allele CA287252475.